The following is an entry in ClinVar:

ClinVar aggregate classification (germline): Likely pathogenic (1 of 4 stars; one submission).

Conditions:
Asphyxiating thoracic dystrophy 3. Also called: SHORT-RIB THORACIC DYSPLASIA 3 WITH OR WITHOUT POLYDACTYLY; POLYDACTYLY WITH NEONATAL CHONDRODYSTROPHY, TYPE I; SHORT-RIB THORACIC DYSPLASIA 3/6 WITH POLYDACTYLY, DIGENIC; Short rib polydactyly syndrome 2B; Saldino-Noonan Syndrome. Identifiers: Orphanet 474, Orphanet 93269, Orphanet 93270, Orphanet 93271, MedGen C0036069, MONDO:0013127, OMIM 613091.

Submission:

Women's Health and Genetics/Laboratory Corporation of America, LabCorp
Classification: Likely pathogenic for Asphyxiating thoracic dystrophy 3. Last evaluated: 2024-09-10. Review status: criteria provided, single submitter. Criteria: LabCorp Variant Classification Summary - May 2015. Collection method: clinical testing. Allele origin: germline.
Comment: Variant summary: DYNC2H1 c.11043+2T>C is located in a canonical splice-site and is predicted to affect mRNA splicing resulting in a significantly altered protein due to either exon skipping, shortening, or inclusion of intronic material. Variants that disrupt the consensus splice site are a relatively common cause of aberrant splicing and loss of DYNC2H1 function. The variant was absent in 243244 control chromosomes. To our knowledge, no occurrence of c.11043+2T>C in individuals affected with Short-rib thoracic dysplasia and no experimental evidence demonstrating its impact on protein function have been reported. No submitters have cited clinical-significance assessments for this variant to ClinVar. Based on the evidence outlined above, the variant was classified as likely pathogenic.

NM_001377.3(DYNC2H1):c.11022+2T>C

Gene: DYNC2H1 (dynein cytoplasmic 2 heavy chain 1; plus strand). Cytogenetic location: 11q22.3.
Variant type: single nucleotide variant.
Coding change: c.11022+2T>C on transcript NM_001377.3 (MANE Select); the canonical splice donor site of the intron after coding-DNA position 11022, T replaced by C.
Molecular consequence: splice donor variant.
Genome position (GRCh38, 1-based): chr11:103,286,388, T>C. VCF-style: chr11-103286388-T-C. GRCh37 (hg19) VCF-style: chr11-103157117-T-C.
Other names: c.11043+2T>C (NM_001080463.2).
Identifiers: ClinVar variation 3374961 (VCV003374961.1).
Genomic context (GRCh38, chr11:103,286,388, plus strand): 5'-CAATGTGTGAGCAAGAGTTTCCATCTATCCTTGCAAAGAAAGTTTCCTTATTTCAGCAGG[T>C]AAAATTTAGTGTTATCTAAATGCAAAAAAGTGTTTAATGTTTCTCTTATTATTCAGAAGC-3'